The following is an entry in ClinVar:

ClinVar aggregate classification (germline): Pathogenic (1 of 4 stars; one submission).

Conditions:
Neurofibromatosis, type 1 (NF1). Also called: Peripheral type neurofibromatosis; NEUROFIBROMATOSIS, TYPE I, SOMATIC; VON RECKLINGHAUSEN DISEASE; Neurofibromatosis, type I. Identifiers: Orphanet 636, MedGen C0027831, MONDO:0018975, OMIM 162200. Disease mechanism: loss of function.

Submission:

Labcorp Genetics (formerly Invitae), Labcorp
Classification: Pathogenic for Neurofibromatosis, type 1. Last evaluated: 2023-08-03. Review status: criteria provided, single submitter. Criteria: Invitae Variant Classification Sherloc (09022015). Collection method: clinical testing. Allele origin: germline.
Comment: For these reasons, this variant has been classified as Pathogenic. This variant has not been reported in the literature in individuals affected with NF1-related conditions. This variant is not present in population databases (gnomAD no frequency). This sequence change creates a premature translational stop signal (p.Thr2273Leufs*3) in the NF1 gene. It is expected to result in an absent or disrupted protein product. Loss-of-function variants in NF1 are known to be pathogenic (PMID: 10712197, 23913538).

Literature cited by the submitters: PubMed 10712197; PubMed 23913538.

NM_001042492.3(NF1):c.6878_6879dup (p.Thr2294fs)

Gene: NF1 (neurofibromin 1; plus strand). Cytogenetic location: 17q11.2.
Variant type: Duplication.
Coding change: c.6878_6879dup on transcript NM_001042492.3 (MANE Select); coding-DNA positions 6878 to 6879, 2 bases duplicated (CT; older notation c.6878_6879dupCT).
Protein change: p.Thr2294fs; shifts the reading frame from threonine 2294.
Molecular consequence: frameshift variant.
Genome position (GRCh38, 1-based): chr17:31,338,762-31,338,763, CT duplicated. VCF-style (leftmost placement, unchanged base first): chr17-31338761-G-GCT. GRCh37 (hg19) VCF-style: chr17-29665779-G-GCT.
Other names: c.6815_6816dup, p.Thr2273Leufs (NM_000267.4); short protein forms T2294fs, T2273fs.
Identifiers: ClinVar variation 2749778 (VCV002749778.3), dbSNP rs2508762897, ClinGen allele CA2697559628.
Genomic context (GRCh38, chr17:31,338,761, plus strand): 5'-AAGGCACTTGAGAGTTGCTTAAAAGGACCTGACACTTACAACAGTCAAGTTCTGATAGAA[G>GCT]CTACAGTAATAGCACTAACCAAATTACAGCCACTTCTTAATAAGGTAATTACTGTATAGA-3'